The following is an entry in ClinVar:

NM_001130144.3(LTBP3):c.1126T>A (p.Ser376Thr)

Gene: LTBP3 (latent transforming growth factor beta binding protein 3; minus strand). Cytogenetic location: 11q13.1.
Variant type: single nucleotide variant.
Coding change: c.1126T>A on transcript NM_001130144.3 (MANE Select); coding-DNA position 1126, T replaced by A.
Protein change: p.Ser376Thr; replaces serine 376 with threonine.
Molecular consequence: missense variant.
Genome position (GRCh38, 1-based): chr11:65,552,920, A>T on the plus strand (T>A on the coding strand, the complement: LTBP3 is on the minus strand). VCF-style: chr11-65552920-A-T. GRCh37 (hg19) VCF-style: chr11-65320391-A-T.
Other names: c.775T>A, p.Ser259Thr (NM_001164266.1); c.1126T>A, p.Ser376Thr (NM_021070.4); short protein forms S259T, S376T.
Identifiers: ClinVar variation 2835532 (VCV002835532.3), dbSNP rs2496172045, ClinGen allele CA381274307.

ClinVar aggregate classification (germline): Uncertain significance (1 of 4 stars; one submission).

Conditions:
Brachyolmia-amelogenesis imperfecta syndrome. Also called: PLATYSPONDYLY WITH AMELOGENESIS IMPERFECTA; Tooth agenesis, selective, 6; Dental anomalies and short stature. Identifiers: Orphanet 2899, MedGen C1832594, MONDO:0011018, OMIM 601216. Disease mechanism: loss of function.

Submission:

Labcorp Genetics (formerly Invitae), Labcorp
Classification: Uncertain significance for Brachyolmia-amelogenesis imperfecta syndrome. Last evaluated: 2023-03-14. Review status: criteria provided, single submitter. Criteria: Invitae Variant Classification Sherloc (09022015). Collection method: clinical testing. Allele origin: germline.
Comment: This variant is not present in population databases (gnomAD no frequency). In summary, the available evidence is currently insufficient to determine the role of this variant in disease. Therefore, it has been classified as a Variant of Uncertain Significance. An algorithm developed to predict the effect of missense changes on protein structure and function (PolyPhen-2) suggests that this variant is likely to be disruptive. This variant has not been reported in the literature in individuals affected with LTBP3-related conditions. This sequence change replaces serine, which is neutral and polar, with threonine, which is neutral and polar, at codon 376 of the LTBP3 protein (p.Ser376Thr).